The following is an entry in ClinVar:

ClinVar aggregate classification (germline): Benign. Review status: criteria provided, multiple submitters, no conflicts (2 of 4 stars). 2 submissions from 2 submitters: Benign (2). Last evaluated 2018-06-15.

Allele frequency attached by ClinVar (database versions not stated): 1000 Genomes Project 30x 0.53264; 1000 Genomes Project 0.54353; TOPMed 0.57516; gnomAD 0.58578 and 0.59067; gnomAD exomes 0.69699.
gnomAD v4.1: 956,664 of 1,397,966 alleles (68%); highest among the groups gnomAD compares: Non-Finnish European, 73%; 334,629 homozygotes.

Submissions (2):

GeneDx
Classification: Benign. Last evaluated: 2018-06-15. Review status: criteria provided, single submitter. Criteria: GeneDx Variant Classification (06012015). Collection method: clinical testing. Allele origin: germline. Affected: yes.
Comment: This variant is considered likely benign or benign based on one or more of the following criteria: it is a conservative change, it occurs at a poorly conserved position in the protein, it is predicted to be benign by multiple in silico algorithms, and/or has population frequency not consistent with disease.

Breakthrough Genomics
Classification: Benign. Review status: criteria provided, single submitter. Criteria: ACMG Guidelines, 2015. Collection method: not provided. Allele origin: germline. Inheritance: Autosomal dominant inheritance. Affected: yes.

NM_016599.5(MYOZ2):c.246+79G>C

Gene: MYOZ2 (myozenin 2; plus strand). Cytogenetic location: 4q26.
Variant type: single nucleotide variant.
Coding change: c.246+79G>C on transcript NM_016599.5 (MANE Select); 79 bases into the intron after coding-DNA position 246, G replaced by C.
Molecular consequence: intron variant.
Genome position (GRCh38, 1-based): chr4:119,151,120, G>C. VCF-style: chr4-119151120-G-C. GRCh37 (hg19) VCF-style: chr4-120072275-G-C.
Identifiers: ClinVar variation 671141 (VCV000671141.2), dbSNP rs6829055, ClinGen allele CA11894466.